The following is an entry in ClinVar:

NM_000059.4(BRCA2):c.7791dup (p.Glu2598fs)

Gene: BRCA2 (BRCA2 DNA repair associated; plus strand). Cytogenetic location: 13q13.1.
Variant type: Duplication.
Coding change: c.7791dup on transcript NM_000059.4 (MANE Select); coding-DNA position 7791, one base duplicated (A; older notation c.7791dupA).
Protein change: p.Glu2598fs; shifts the reading frame from glutamic acid 2598.
Molecular consequence: frameshift variant.
Genome position (GRCh38, 1-based): chr13:32,357,915, A duplicated; the last of 4 consecutive A bases (chr13:32,357,912-32,357,915); duplicating any one gives the same sequence. VCF-style (leftmost placement, unchanged base first): chr13-32357911-G-GA. GRCh37 (hg19) VCF-style: chr13-32932048-G-GA.
Other names: 8019insA; c.7791dupA (NM_000059.3); short protein forms E2598fs.
Identifiers: ClinVar variation 126157 (VCV000126157.3), dbSNP rs80359681, ClinGen allele CA025276.
Genomic context (GRCh38, chr13:32,357,911, plus strand): 5'-GAAAAGGAATACAGTTGGCTGATGGTGGATGGCTCATACCCTCCAATGATGGAAAGGCTG[G>GA]AAAAGAAGAATTTTATAGGTACTCTATGCAAAAAGATTGTGTGTTAACTTTTATGTATTC-3'

ClinVar aggregate classification (germline): Pathogenic. Review status: reviewed by expert panel (3 of 4 stars). 3 submissions from 3 submitters: Pathogenic (1). 2 of the submissions do not count toward it. Last evaluated 2016-09-08.

Conditions:
Hereditary cancer-predisposing syndrome. Also called: Tumor predisposition; Hereditary Cancer Syndrome; Neoplastic Syndromes, Hereditary; Hereditary neoplastic syndrome. Identifiers: Orphanet 140162, MedGen C0027672, MeSH D009386, MONDO:0015356.
Breast-ovarian cancer, familial, susceptibility to, 2 (BROVCA2). Also called: BRCA2 Hereditary Breast and Ovarian Cancer. Identifiers: Orphanet 145, MedGen C2675520, MONDO:0012933, OMIM 612555. Disease mechanism: loss of function.

Submissions (3):

Evidence-based Network for the Interpretation of Germline Mutant Alleles (ENIGMA)
Classification: Pathogenic for Breast-ovarian cancer, familial, susceptibility to, 2. Last evaluated: 2016-09-08. Review status: reviewed by expert panel. Criteria: ENIGMA BRCA1/2 Classification Criteria (2015). Collection method: curation. Allele origin: germline.
Comment: Variant allele predicted to encode a truncated non-functional protein.

Ambry Genetics
Classification: Pathogenic for Hereditary cancer-predisposing syndrome. Last evaluated: 2025-06-26. Review status: criteria provided, single submitter. Criteria: Ambry Variant Classification Scheme 2023. Collection method: clinical testing. Allele origin: germline. Not counted in ClinVar's aggregate classification.
Comment: The c.7791dupA pathogenic mutation, located in coding exon 15 of the BRCA2 gene, results from a duplication of A at nucleotide position 7791, causing a translational frameshift with a predicted alternate stop codon (p.E2598Rfs*5). This variant is considered to be rare based on population cohorts in the Genome Aggregation Database (gnomAD). This alteration is expected to result in loss of function by premature protein truncation or nonsense-mediated mRNA decay. As such, this alteration is interpreted as a disease-causing mutation.

Breast Cancer Information Core (BIC) (BRCA2)
Classification: Pathogenic for Breast-ovarian cancer, familial 2. Review status: no assertion criteria provided. Collection method: clinical testing. Allele origin: germline. Affected: yes. Observed: 1 variant allele. Not counted in ClinVar's aggregate classification.